The following is an entry in ClinVar:

ClinVar aggregate classification (germline): Uncertain significance (1 of 4 stars; one submission).

Submission:

GeneDx
Classification: Uncertain significance. Last evaluated: 2025-04-09. Review status: criteria provided, single submitter. Criteria: GeneDx Variant Classification Process June 2021. Collection method: clinical testing. Allele origin: germline. Affected: yes.
Comment: Not observed at significant frequency in large population cohorts (gnomAD); In silico analysis supports that this missense variant has a deleterious effect on protein structure/function; Has not been previously published as pathogenic or benign to our knowledge

NM_031407.7(HUWE1):c.808C>G (p.His270Asp)

Gene: HUWE1 (HECT, UBA and WWE domain containing E3 ubiquitin protein ligase 1; minus strand). Cytogenetic location: Xp11.22.
Variant type: single nucleotide variant.
Coding change: c.808C>G on transcript NM_031407.7 (MANE Select); coding-DNA position 808, C replaced by G.
Protein change: p.His270Asp; replaces histidine 270 with aspartic acid.
Molecular consequence: missense variant.
Genome position (GRCh38, 1-based): chrX:53,630,989, G>C on the plus strand (C>G on the coding strand, the complement: HUWE1 is on the minus strand). VCF-style: chrX-53630989-G-C. GRCh37 (hg19) VCF-style: chrX-53657941-G-C.
Other names: c.808C>G, p.His270Asp (NM_001441051.1, NM_001441052.1, NM_001441053.1 and 8 more transcripts); short protein forms H270D.
Identifiers: ClinVar variation 4282084 (VCV004282084.1).
Genomic context (GRCh38, chrX:53,630,989, plus strand): 5'-TCTTACCTAATATAGATATTGCATGCAGTCTGGCCTGAACTGCCTGCAATCGCTTCCTGT[G>C]ATTAGAAAAGCCATGGGCCAGTCGTATGTGTGTAAATAACAGCATCTGTAGAGAGATAAG-3'
Protein context (NP_113584.3, residues 260-280): HIRLAHGFSN[His270Asp]RKRLQAVQAR